The following is an entry in ClinVar:

NM_030943.4(AMN):c.1183G>A (p.Glu395Lys)

Gene: AMN (amnion associated transmembrane protein; plus strand). Cytogenetic location: 14q32.32.
Variant type: single nucleotide variant.
Coding change: c.1183G>A on transcript NM_030943.4 (MANE Select); coding-DNA position 1183, G replaced by A.
Protein change: p.Glu395Lys; replaces glutamic acid 395 with lysine.
Molecular consequence: missense variant.
Genome position (GRCh38, 1-based): chr14:102,930,419, G>A. VCF-style: chr14-102930419-G-A. GRCh37 (hg19) VCF-style: chr14-103396756-G-A.
Other names: c.1021G>A, p.Glu341Lys (NM_001425246.1); short protein forms E341K, E395K.
Identifiers: ClinVar variation 3576415 (VCV003576415.4).

ClinVar aggregate classification (germline): Uncertain significance. Review status: criteria provided, multiple submitters, no conflicts (2 of 4 stars). 3 submissions from 3 submitters: Uncertain significance (3). Last evaluated 2026-08-18.

Conditions:
Imerslund-Grasbeck syndrome type 2. Also called: MEGALOBLASTIC ANEMIA, NORWEGIAN TYPE; Imerslund-Gräsbeck syndrome 2; Megaloblastic anemia 1, Norwegian type. Identifiers: MedGen C4016948, MONDO:0100157, OMIM 618882.
Imerslund-Grasbeck syndrome. Also called: ENTEROCYTE COBALAMIN MALABSORPTION; ENTEROCYTE INTRINSIC FACTOR RECEPTOR, DEFECT OF; PERNICIOUS ANEMIA, JUVENILE, DUE TO SELECTIVE INTESTINAL MALABSORPTION OF VITAMIN B12, WITH PROTEINURIA; Megaloblastic anemia due to inborn errors of metabolism; Imerslund-Gräsbeck syndrome. Identifiers: Orphanet 35858, MedGen C4551825, MONDO:0009853.
Inborn genetic diseases. Identifiers: MedGen C0950123, MeSH D030342.

gnomAD v4.1: 8 of 1,520,106 alleles (0.00053%); highest among the groups gnomAD compares: African/African-American, 0.011%; no homozygotes.

Submissions (3):

Ambry Genetics
Classification: Uncertain significance for Inborn genetic diseases. Last evaluated: 2026-08-18. Review status: criteria provided, single submitter. Criteria: Ambry Variant Classification Scheme 2023. Collection method: clinical testing. Allele origin: germline.
Comment: The c.1183G>A (p.E395K) alteration is located in exon 11 (coding exon 11) of the AMN gene. This alteration results from a G to A substitution at nucleotide position 1183, causing the glutamic acid (E) at amino acid position 395 to be replaced by a lysine (K). Based on data from gnomAD, the A allele has an overall frequency of 0.002% (3/148760) total alleles studied. The highest observed frequency was 0.024% (3/12786) of African alleles. Based on insufficient or conflicting evidence, the clinical significance of this alteration remains unclear.

Labcorp Genetics (formerly Invitae), Labcorp
Classification: Uncertain significance for Imerslund-Grasbeck syndrome. Last evaluated: 2025-06-12. Review status: criteria provided, single submitter. Criteria: Invitae Variant Classification Sherloc (09022015). Collection method: clinical testing. Allele origin: germline.
Comment: This sequence change replaces glutamic acid, which is acidic and polar, with lysine, which is basic and polar, at codon 395 of the AMN protein (p.Glu395Lys). The frequency data for this variant in the population databases is considered unreliable, as metrics indicate poor data quality at this position in the gnomAD database. This variant has not been reported in the literature in individuals affected with AMN-related conditions. ClinVar contains an entry for this variant (Variation ID: 3576415). Invitae Evidence Modeling of protein sequence and biophysical properties (such as structural, functional, and spatial information, amino acid conservation, physicochemical variation, residue mobility, and thermodynamic stability) indicates that this missense variant is not expected to disrupt AMN protein function with a negative predictive value of 80%. In summary, the available evidence is currently insufficient to determine the role of this variant in disease. Therefore, it has been classified as a Variant of Uncertain Significance.

Fulgent Genetics
Classification: Uncertain significance for Imerslund-Grasbeck syndrome type 2. Last evaluated: 2024-02-16. Review status: criteria provided, single submitter. Criteria: ACMG Guidelines, 2015. Collection method: clinical testing. Allele origin: germline.